The following is an entry in ClinVar:

NM_001283009.2(RTEL1):c.3155C>G (p.Ala1052Gly)

Genes: RTEL1 (regulator of telomere elongation helicase 1; plus strand), RTEL1-TNFRSF6B (RTEL1-TNFRSF6B readthrough (NMD candidate); plus strand). Cytogenetic location: 20q13.33.
Variant type: single nucleotide variant.
Coding change: c.3155C>G on transcript NM_001283009.2 (MANE Select); coding-DNA position 3155, C replaced by G.
Protein change: p.Ala1052Gly; replaces alanine 1052 with glycine.
Molecular consequence: missense variant. On other transcripts: non-coding transcript variant (1).
Genome position (GRCh38, 1-based): chr20:63,694,786, C>G. VCF-style: chr20-63694786-C-G. GRCh37 (hg19) VCF-style: chr20-62326139-C-G.
Other names: c.2486C>G, p.Ala829Gly (NM_001283010.1); c.3155C>G, p.Ala1052Gly (NM_016434.4); c.3227C>G, p.Ala1076Gly (NM_032957.5); short protein forms A1052G, A1076G, A829G.
Identifiers: ClinVar variation 1047501 (VCV001047501.2), dbSNP rs1479396091, ClinGen allele CA409684861.

ClinVar aggregate classification (germline): Uncertain significance (1 of 4 stars; one submission).

Conditions:
Dyskeratosis congenita, autosomal recessive 5 (DKCB5). Identifiers: MedGen C3554656, MONDO:0014076, OMIM 615190.
Pulmonary fibrosis and/or bone marrow failure, Telomere-related, 3. Also called: PULMONARY FIBROSIS AND/OR BONE MARROW FAILURE SYNDROME, TELOMERE-RELATED, 3. Identifiers: Orphanet 2032, MedGen C4225346, MONDO:0014613, OMIM 616373.

Submission:

Labcorp Genetics (formerly Invitae), Labcorp
Classification: Uncertain significance for Dyskeratosis congenita, autosomal recessive 5; Pulmonary fibrosis and/or bone marrow failure, Telomere-related, 3. Last evaluated: 2021-09-01. Review status: criteria provided, single submitter. Criteria: Invitae Variant Classification Sherloc (09022015). Collection method: clinical testing. Allele origin: germline.
Comment: This sequence change replaces alanine with glycine at codon 1052 of the RTEL1 protein (p.Ala1052Gly). The alanine residue is weakly conserved and there is a small physicochemical difference between alanine and glycine. This variant is not present in population databases (ExAC no frequency). This variant has not been reported in the literature in individuals affected with RTEL1-related conditions. Algorithms developed to predict the effect of missense changes on protein structure and function (SIFT, PolyPhen-2, Align-GVGD) all suggest that this variant is likely to be tolerated. In summary, the available evidence is currently insufficient to determine the role of this variant in disease. Therefore, it has been classified as a Variant of Uncertain Significance.